The following is an entry in ClinVar:

ClinVar aggregate classification (germline): Pathogenic (1 of 4 stars; one submission).

Submission:

ISCA site 4
Classification: Pathogenic. Last evaluated: 2011-08-12. Review status: criteria provided, single submitter. Criteria: Kaminsky et al. (Genet Med. 2011). Collection method: clinical testing. Allele origin: unknown. Affected: yes. Observed: 1 variant allele.
Comment: Copy number variation identified through the course of routine clinical cytogenomic testing in postnatal populations. Clinical assertions have been curated as described in Kaminsky et al. 2011.

GRCh38/hg38 7q36.3(chr7:158154429-159135526)x1

Genes: DYNC2I1 (dynein 2 intermediate chain 1; plus strand), ESYT2 (extended synaptotagmin 2; minus strand), LINC00689 (long intergenic non-protein coding RNA 689; plus strand), LINC01022 (long intergenic non-protein coding RNA 1022; plus strand), MIR5707 (microRNA 5707; plus strand) and 32 more. Cytogenetic location: 7q36.3.
Variant type: copy number loss.
Change: copy number 1 (one copy instead of two) of chr7:158,154,429-159,135,526 (981.1 kb, GRCh38 coordinates, 1-based), cytogenetic band 7q36.3.
Identifiers: ClinVar variation 57308 (VCV000057308.1).